The following is an entry in ClinVar:

ClinVar aggregate classification (germline): Uncertain significance (1 of 4 stars; one submission).

Conditions:
Distal myopathy with posterior leg and anterior hand involvement. Also called: WILLIAMS DISTAL MYOPATHY. Identifiers: Orphanet 63273, MedGen C3279722, MONDO:0013550, OMIM 614065.
Hypertrophic cardiomyopathy 26. Also called: Cardiomyopathy, familial hypertrophic, 26. Identifiers: Orphanet 75249, MedGen C4310749, MONDO:0014883, OMIM 617047.
Myofibrillar myopathy 5. Also called: Filaminopathy (type); FILAMINOPATHY, AUTOSOMAL DOMINANT. Identifiers: Orphanet 171445, MedGen C1836050, MONDO:0012289, OMIM 609524.

Submission:

Labcorp Genetics (formerly Invitae), Labcorp
Classification: Uncertain significance for Distal myopathy with posterior leg and anterior hand involvement; Myofibrillar myopathy 5; Hypertrophic cardiomyopathy 26. Last evaluated: 2025-02-26. Review status: criteria provided, single submitter. Criteria: Invitae Variant Classification Sherloc (09022015). Collection method: clinical testing. Allele origin: germline.
Comment: This sequence change replaces glutamic acid, which is acidic and polar, with glycine, which is neutral and non-polar, at codon 2681 of the FLNC protein (p.Glu2681Gly). This variant is not present in population databases (gnomAD no frequency). This variant has not been reported in the literature in individuals affected with FLNC-related conditions. Invitae Evidence Modeling of protein sequence and biophysical properties (such as structural, functional, and spatial information, amino acid conservation, physicochemical variation, residue mobility, and thermodynamic stability) indicates that this missense variant is not expected to disrupt FLNC protein function with a negative predictive value of 95%. In summary, the available evidence is currently insufficient to determine the role of this variant in disease. Therefore, it has been classified as a Variant of Uncertain Significance.

NM_001458.5(FLNC):c.8042A>G (p.Glu2681Gly)

Genes: FLNC (filamin C; plus strand), FLNC-AS1 (FLNC antisense RNA 1; minus strand). Cytogenetic location: 7q32.1.
Variant type: single nucleotide variant.
Coding change: c.8042A>G on transcript NM_001458.5 (MANE Select); coding-DNA position 8042, A replaced by G.
Protein change: p.Glu2681Gly; replaces glutamic acid 2681 with glycine.
Molecular consequence: missense variant.
Genome position (GRCh38, 1-based): chr7:128,858,387, A>G. VCF-style: chr7-128858387-A-G. GRCh37 (hg19) VCF-style: chr7-128498441-A-G.
Other names: c.7943A>G, p.Glu2648Gly (NM_001127487.2); short protein forms E2648G, E2681G.
Identifiers: ClinVar variation 3758240 (VCV003758240.2).